The following is an entry in ClinVar:

ClinVar aggregate classification (germline): conflicting data from submitters (0 of 4 stars; one submission).

Submission:

ISCA site 1
Classification: conflicting data from submitters. Last evaluated: 2015-02-16. Review status: no assertion criteria provided. Collection method: clinical testing. Allele origin: unknown. Affected: yes. Observed: 4 variant alleles. Clinical features observed: Cleft palate (HP:0000175), Intellectual disability (HP:0001249), Abnormal facial shape (HP:0002260), obsolete Malformation of the heart and great vessels (HP:0002564), Double outlet right ventricle (HP:0001719), Hemivertebrae (HP:0002937), Abdominal situs inversus (HP:0003363), Developmental delay AND/OR other significant developmental or morphological phenotypes, Specific learning disability (HP:0001328).
Comment: Uncertain significance(2), Likely benign (2)

Copy number variation identified through the course of routine clinical cytogenomic testing in postnatal populations, with clinical assertions as classified by the original submitter. For data from the original published study, Kaminsky, et al. 2011 (PubMed 21844811), please see nstd101.

GRCh38/hg38 17p11.2-11.1(chr17:22181582-22762465)x1

Genes: FAM27E5 (family with sequence similarity E5; plus strand), FLJ36000 (uncharacterized FLJ36000; plus strand), LINC02002 (long intergenic non-protein coding RNA 2002; minus strand), MTRNR2L1 (MT-RNR2 like 1; plus strand), LOC105371597 (uncharacterized LOC105371597; plus strand) and 1 more. Cytogenetic location: 17p11.2-11.1.
Variant type: copy number loss.
Change: copy number 1 (one copy instead of two) of chr17:22,181,582-22,762,465 (580.9 kb, GRCh38 coordinates, 1-based), cytogenetic band 17p11.2-11.1.
Identifiers: ClinVar variation 155479 (VCV000155479.3).